The following is an entry in ClinVar:

NM_004104.5(FASN):c.2000_2015dup (p.Lys673fs)

Gene: FASN (fatty acid synthase; minus strand). Cytogenetic location: 17q25.3.
Variant type: Duplication.
Coding change: c.2000_2015dup on transcript NM_004104.5 (MANE Select); coding-DNA positions 2000 to 2015, 16 bases duplicated (AGGAGGGTGTGTTTGC).
Protein change: p.Lys673fs; shifts the reading frame from lysine 673.
Molecular consequence: frameshift variant.
Genome position (GRCh38, 1-based): chr17:82,089,335-82,089,350, GCAAACACACCCTCCT duplicated on the plus strand (AGGAGGGTGTGTTTGC on the coding strand, the reverse complement: FASN is on the minus strand). VCF-style (leftmost placement, unchanged base first): chr17-82089334-G-GGCAAACACACCCTCCT. GRCh37 (hg19) VCF-style: chr17-80047210-G-GGCAAACACACCCTCCT.
Other names: short protein forms K673fs.
Identifiers: ClinVar variation 2032951 (VCV002032951.4), dbSNP rs2509840421, ClinGen allele CA2580095359.
Genomic context (GRCh38, chr17:82,089,334, plus strand): 5'-GGGTGCGATGGCCTCCATGAAGTAGGAGTGGAAGGCCATACCGCCGGTCCGCACCTCCTT[G>GGCAAACACACCCTCCT]GCAAACACACCCTCCTTCCTCAGCTGCTCCACGAACTCAAACACCGGGGCCTGGACATCG-3'

ClinVar aggregate classification (germline): Uncertain significance (1 of 4 stars; one submission).

Conditions:
Epileptic encephalopathy. Identifiers: MedGen C0543888, HP:0200134.

Submission:

Labcorp Genetics (formerly Invitae), Labcorp
Classification: Uncertain significance for Epileptic encephalopathy. Last evaluated: 2022-09-27. Review status: criteria provided, single submitter. Criteria: Invitae Variant Classification Sherloc (09022015). Collection method: clinical testing. Allele origin: germline.
Comment: This sequence change creates a premature translational stop signal (p.Lys673Glyfs*87) in the FASN gene. It is expected to result in an absent or disrupted protein product. However, the current clinical and genetic evidence is not sufficient to establish whether loss-of-function variants in FASN cause disease. This variant is not present in population databases (gnomAD no frequency). This variant has not been reported in the literature in individuals affected with FASN-related conditions. Algorithms developed to predict the effect of sequence changes on RNA splicing suggest that this variant may disrupt the consensus splice site. In summary, the available evidence is currently insufficient to determine the role of this variant in disease. Therefore, it has been classified as a Variant of Uncertain Significance.